The following is an entry in ClinVar:

ClinVar aggregate classification (germline): Conflicting classifications of pathogenicity. Review status: criteria provided, conflicting classifications (1 of 4 stars). 3 submissions from 3 submitters: Uncertain significance (2); Likely benign (1). Last evaluated 2025-11-10.

Conditions:
Inborn genetic diseases. Identifiers: MedGen C0950123, MeSH D030342.

Allele frequency attached by ClinVar (database versions not stated): TOPMed 0.00001.
gnomAD v4.1: 29 of 1,612,314 alleles (0.0018%); highest among the groups gnomAD compares: Middle Eastern, 0.016%; no homozygotes.

Submissions (3):

Labcorp Genetics (formerly Invitae), Labcorp
Classification: Likely benign. Last evaluated: 2025-11-10. Review status: criteria provided, single submitter. Criteria: Invitae Variant Classification Sherloc (09022015). Collection method: clinical testing. Allele origin: germline.

Ambry Genetics
Classification: Uncertain significance for Inborn genetic diseases. Last evaluated: 2024-10-11. Review status: criteria provided, single submitter. Criteria: Ambry Variant Classification Scheme 2023. Collection method: clinical testing. Allele origin: germline.

Laboratory for Molecular Medicine, Mass General Brigham Personalized Medicine
Classification: Uncertain significance. Last evaluated: 2016-07-21. Review status: criteria provided, single submitter. Criteria: LMM Criteria. Collection method: clinical testing. Allele origin: germline. Observed: 2 variant alleles.
Comment: Variant classified as Uncertain Significance - Favor Benign. The p.Val4907Ile va riant in GPR98 has not been previously reported in individuals with hearing loss or Usher syndrome, but it has been identified in 2/8614 East Asian chromosomes by the Exome Aggregation Consortium (ExAC; dbSNP rs373391623). Although this variant has been seen in the general population, it s frequency is not high enough to rule out a pathogenic role. The valine (Val) a t position 4907 is not highly conserved in mammals and evolutionary distant spec ies. Of note, 1 mammal (Golden hamster) has an isoleucine (Ile) despite high nea rby amino acid conservation, suggesting that this change at this position may be tolerated. Computational prediction tools and conservation analyses suggest th at this variant may not impact the protein, though this information is not predi ctive enough to rule out pathogenicity. In summary, while the clinical significa nce of the p.Val4907Ile variant is uncertain, these data suggest that it is more likely to be benign.

NM_032119.4(ADGRV1):c.14719G>A (p.Val4907Ile)

Gene: ADGRV1 (adhesion G protein-coupled receptor V1; plus strand). Cytogenetic location: 5q14.3.
Variant type: single nucleotide variant.
Coding change: c.14719G>A on transcript NM_032119.4 (MANE Select); coding-DNA position 14719, G replaced by A.
Protein change: p.Val4907Ile; replaces valine 4907 with isoleucine.
Molecular consequence: missense variant. On other transcripts: non-coding transcript variant (1).
Genome position (GRCh38, 1-based): chr5:90,805,341, G>A. VCF-style: chr5-90805341-G-A. GRCh37 (hg19) VCF-style: chr5-90101158-G-A.
Other names: short protein forms V4907I.
Identifiers: ClinVar variation 505239 (VCV000505239.14), dbSNP rs373391623, ClinGen allele CA3341795.
Genomic context (GRCh38, chr5:90,805,341, plus strand): 5'-CAGGTCGGATTTGAATCCACTGCTTTTCAACTCATGAACATCACTGCTGGCACAAGCCAC[G>A]TTATGATTTCTAGGAGAGGCACATATGGAGCTCTCTCGGTTGCCTGGACCACTGGATATG-3'
Protein context (NP_115495.3, residues 4897-4917): LMNITAGTSH[Val4907Ile]MISRRGTYGA